The following is an entry in ClinVar:

NM_001111125.3(IQSEC2):c.3225C>G (p.Asp1075Glu)

Gene: IQSEC2 (IQ motif and Sec7 domain ArfGEF 2; minus strand). Cytogenetic location: Xp11.22.
Variant type: single nucleotide variant.
Coding change: c.3225C>G on transcript NM_001111125.3 (MANE Select); coding-DNA position 3225, C replaced by G.
Protein change: p.Asp1075Glu; replaces aspartic acid 1075 with glutamic acid.
Molecular consequence: missense variant.
Genome position (GRCh38, 1-based): chrX:53,238,197, G>C on the plus strand (C>G on the coding strand, the complement: IQSEC2 is on the minus strand). VCF-style: chrX-53238197-G-C. GRCh37 (hg19) VCF-style: chrX-53267379-G-C.
Other names: c.3225C>G, p.Asp1075Glu (NM_001410736.1); c.2610C>G, p.Asp870Glu (NM_015075.2); short protein forms D1075E, D870E.
Identifiers: ClinVar variation 2764514 (VCV002764514.3), dbSNP rs2519705061, ClinGen allele CA413146453.
Genomic context (GRCh38, chrX:53,238,197, plus strand): 5'-CTACTCACACTCCACACGGTATTTCTCCATCTCCTGCACCTCCGCAATGGACTCGCGCAG[G>C]TCGGATGTAAAGCGCAGCCGGTCCTGGAGGCTGGGGGCATTGAAGATGATGAGGACTTTT-3'
Protein context (NP_001104595.1, residues 1065-1085): SLQDRLRFTS[Asp1075Glu]LRESIAEVQE

ClinVar aggregate classification (germline): Uncertain significance (1 of 4 stars; one submission).

Conditions:
Intellectual developmental disorder, X-linked 1. Also called: Atkin Flaitz Patil Smith syndrome; Intellectual disability, X-linked 1; MENTAL RETARDATION, X-LINKED 18; MENTAL RETARDATION, X-LINKED 78. Identifiers: Orphanet 777, MedGen C2931498, MONDO:0010656, OMIM 309530.

Submission:

Labcorp Genetics (formerly Invitae), Labcorp
Classification: Uncertain significance for Intellectual developmental disorder, X-linked 1. Last evaluated: 2023-10-12. Review status: criteria provided, single submitter. Criteria: Invitae Variant Classification Sherloc (09022015). Collection method: clinical testing. Allele origin: germline.
Comment: This sequence change replaces aspartic acid, which is acidic and polar, with glutamic acid, which is acidic and polar, at codon 1075 of the IQSEC2 protein (p.Asp1075Glu). This variant is not present in population databases (gnomAD no frequency). This variant has not been reported in the literature in individuals affected with IQSEC2-related conditions. Advanced modeling of protein sequence and biophysical properties (such as structural, functional, and spatial information, amino acid conservation, physicochemical variation, residue mobility, and thermodynamic stability) performed at Invitae indicates that this missense variant is not expected to disrupt IQSEC2 protein function. In summary, the available evidence is currently insufficient to determine the role of this variant in disease. Therefore, it has been classified as a Variant of Uncertain Significance.